The following is an entry in ClinVar:

ClinVar aggregate classification (germline): Uncertain significance (1 of 4 stars; one submission).

Conditions:
Alstrom syndrome (ALMS). Identifiers: Orphanet 64, MedGen C0268425, MONDO:0008763, OMIM 203800.

Allele frequency attached by ClinVar (database versions not stated): gnomAD exomes below 0.00001 and 0.00001.
gnomAD v4.1: 4 of 1,614,208 alleles (0.00025%); highest among the groups gnomAD compares: Non-Finnish European, 0.00034%; no homozygotes.

Submission:

Labcorp Genetics (formerly Invitae), Labcorp
Classification: Uncertain significance for Alstrom syndrome. Last evaluated: 2021-09-21. Review status: criteria provided, single submitter. Criteria: Invitae Variant Classification Sherloc (09022015). Collection method: clinical testing. Allele origin: germline.
Comment: This sequence change replaces serine with arginine at codon 4071 of the ALMS1 protein (p.Ser4071Arg). The serine residue is moderately conserved and there is a moderate physicochemical difference between serine and arginine. This variant is not present in population databases (ExAC no frequency). This variant has not been reported in the literature in individuals affected with ALMS1-related conditions. Experimental studies and prediction algorithms are not available or were not evaluated, and the functional significance of this variant is currently unknown. In summary, the available evidence is currently insufficient to determine the role of this variant in disease. Therefore, it has been classified as a Variant of Uncertain Significance.

NM_001378454.1(ALMS1):c.12208A>C (p.Ser4070Arg)

Genes: ALMS1 (ALMS1 centrosome and basal body associated protein; plus strand), LOC126806252 (BRD4-independent group 4 enhancer GRCh37_chr2:73828496-73829695; plus strand). Cytogenetic location: 2p13.1.
Variant type: single nucleotide variant.
Coding change: c.12208A>C on transcript NM_001378454.1 (MANE Select); coding-DNA position 12208, A replaced by C.
Protein change: p.Ser4070Arg; replaces serine 4070 with arginine.
Molecular consequence: missense variant.
Genome position (GRCh38, 1-based): chr2:73,602,278, A>C. VCF-style: chr2-73602278-A-C. GRCh37 (hg19) VCF-style: chr2-73829405-A-C.
Other names: c.12211A>C, p.Ser4071Arg (NM_015120.4); short protein forms S4070R, S4071R.
Identifiers: ClinVar variation 1360913 (VCV001360913.3), dbSNP rs1306398275, ClinGen allele CA347268136.
Genomic context (GRCh38, chr2:73,602,278, plus strand): 5'-TCCCGCTCTGGGGAGCGGATAAAGCGCCTGAAGTTAATAGTCCAGGAGAGGAAGCTGCAG[A>C]GCATGTTACAGACCGAGCGGGATGCACTATTCAACATTGACAGGGAACGGCAGGGCCACC-3'
Protein context (NP_001365383.1, residues 4060-4080): KLIVQERKLQ[Ser4070Arg]MLQTERDALF